The following is an entry in ClinVar:

ClinVar aggregate classification (germline): Uncertain significance. Review status: criteria provided, multiple submitters, no conflicts (2 of 4 stars). 2 submissions from 2 submitters: Uncertain significance (2). Last evaluated 2025-05-15.

Conditions:
Cardiovascular phenotype. Identifiers: MedGen CN230736.

Allele frequency attached by ClinVar (database versions not stated): gnomAD 0.00002.
gnomAD v4.1: 27 of 1,550,416 alleles (0.0017%); highest among the groups gnomAD compares: South Asian, 0.0095%; no homozygotes.

Submissions (2):

Ambry Genetics
Classification: Uncertain significance for Cardiovascular phenotype. Last evaluated: 2025-05-15. Review status: criteria provided, single submitter. Criteria: Ambry Variant Classification Scheme 2023. Collection method: clinical testing. Allele origin: germline.

GeneDx
Classification: Uncertain significance. Last evaluated: 2024-02-08. Review status: criteria provided, single submitter. Criteria: GeneDx Variant Classification Process June 2021. Collection method: clinical testing. Allele origin: germline. Affected: yes.
Comment: Not observed at significant frequency in large population cohorts (gnomAD); In silico analysis supports that this missense variant does not alter protein structure/function; Has not been previously published as pathogenic or benign to our knowledge

NM_001367624.2(ZNF469):c.8351G>A (p.Arg2784Gln)

Gene: ZNF469 (zinc finger protein 469; plus strand). Cytogenetic location: 16q24.2.
Variant type: single nucleotide variant.
Coding change: c.8351G>A on transcript NM_001367624.2 (MANE Select); coding-DNA position 8351, G replaced by A.
Protein change: p.Arg2784Gln; replaces arginine 2784 with glutamine.
Molecular consequence: missense variant.
Genome position (GRCh38, 1-based): chr16:88,435,821, G>A. VCF-style: chr16-88435821-G-A. GRCh37 (hg19) VCF-style: chr16-88502229-G-A.
Other names: NM_001127464.1:c.8267G>A; short protein forms R2784Q.
Identifiers: ClinVar variation 2497319 (VCV002497319.4), dbSNP rs1047653960, ClinGen allele CA286383935.
Genomic context (GRCh38, chr16:88,435,821, plus strand): 5'-TGGGTGTGTGCAAAGAGTCTGGGAGCGAGCCTGCGGAGGACAGCAGCAGGGCCCACAGCC[G>A]ATCAGAGGAAGGTGTCTGGGAGGAGAACACGCCCCCCTTGGGCCCCCTGGGTTTTCCCGA-3'
Protein context (NP_001354553.1, residues 2774-2794): PAEDSSRAHS[Arg2784Gln]SEEGVWEENT